The following is an entry in ClinVar:

ClinVar aggregate classification (germline): Uncertain significance (1 of 4 stars; one submission).

Conditions:
Malignant hyperthermia, susceptibility to, 1 (MHS1). Also called: Anesthesia related hyperthermia; Malignant hyperpyrexia; Fulminating hyperpyrexia; Pharmacogenic myopathy; Malignant hyperthermia suceptibility 1; RYR1-Related Malignant Hyperthermia Susceptibility. Identifiers: Orphanet 423, MedGen C2930980, MONDO:0007783, OMIM 145600.

gnomAD v4.1: 2 of 1,608,360 alleles (0.00012%); highest among the groups gnomAD compares: South Asian, 0.0022%; no homozygotes.

Submission:

All of Us Research Program, National Institutes of Health
Classification: Uncertain significance for Malignant hyperthermia, susceptibility to, 1. Last evaluated: 2024-07-10. Review status: criteria provided, single submitter. Criteria: ACMG Guidelines, 2015. Collection method: clinical testing. Allele origin: germline. Inheritance: Autosomal dominant inheritance. Observed: 1 variant allele, 1 heterozygote.
Comment: This missense variant replaces lysine with arginine at codon 2942 of the RYR1 protein. Computational prediction is inconclusive regarding the impact of this variant on protein structure and function (internally defined REVEL score threshold 0.5 < inconclusive < 0.7, PMID: 27666373). To our knowledge, functional studies have not been reported for this variant. This variant has not been reported in individuals affected with RYR1-related disorders in the literature. This variant has been identified in 2/251480 chromosomes in the general population by the Genome Aggregation Database (gnomAD). The available evidence is insufficient to determine the role of this variant in disease conclusively. Therefore, this variant is classified as a Variant of Uncertain Significance.

This study involves interpretation of variants in research participants for the purpose of population health screening. Participant phenotype was not available at the time of variant classification. Additional details can be found in publication PMID: 35346344, PMCID: PMC8962531

NM_000540.3(RYR1):c.8825A>G (p.Lys2942Arg)

Gene: RYR1 (ryanodine receptor 1; plus strand). Cytogenetic location: 19q13.2.
Variant type: single nucleotide variant.
Coding change: c.8825A>G on transcript NM_000540.3 (MANE Select); coding-DNA position 8825, A replaced by G.
Protein change: p.Lys2942Arg; replaces lysine 2942 with arginine.
Molecular consequence: missense variant.
Genome position (GRCh38, 1-based): chr19:38,507,720, A>G. VCF-style: chr19-38507720-A-G. GRCh37 (hg19) VCF-style: chr19-38998360-A-G.
Other names: c.8825A>G, p.Lys2942Arg (NM_001042723.2); short protein forms K2942R.
Identifiers: ClinVar variation 3385486 (VCV003385486.1).
Genomic context (GRCh38, chr19:38,507,720, plus strand): 5'-AAACTGTAGGGCCGGCGTCTGGGCTGATCCTTCTCTCCACATCTCCATGCAGAGGCCTTA[A>G]GGACATGGAACTGGACTCGTCTTCCATTGAAAAGCGGTTTGCCTTTGGCTTCCTGCAGCA-3'
Protein context (NP_000531.2, residues 2932-2952): MNGYAVTRGL[Lys2942Arg]DMELDSSSIE